The following is an entry in ClinVar:

ClinVar aggregate classification (germline): Likely benign. Review status: criteria provided, multiple submitters, no conflicts (2 of 4 stars). 2 submissions from 2 submitters: Likely benign (2). Last evaluated 2025-05-28.

Conditions:
Hereditary spastic paraplegia 64. Also called: Spastic paraplegia 64, autosomal recessive; ENTPD1-Related Neurodevelopmental Disorder. Identifiers: Orphanet 401810, MedGen C3810289, MONDO:0014303, OMIM 615683.

Allele frequency attached by ClinVar (database versions not stated): ExAC 0.00001; gnomAD 0.00001 and 0.00003; gnomAD exomes 0.00001; TOPMed 0.00001.
gnomAD v4.1: 22 of 1,614,084 alleles (0.0014%); highest among the groups gnomAD compares: Middle Eastern, 0.016%; no homozygotes.

Submissions (2):

Labcorp Genetics (formerly Invitae), Labcorp
Classification: Likely benign for Hereditary spastic paraplegia 64. Last evaluated: 2025-05-28. Review status: criteria provided, single submitter. Criteria: Invitae Variant Classification Sherloc (09022015). Collection method: clinical testing. Allele origin: germline.

CeGaT Center for Human Genetics Tuebingen
Classification: Likely benign. Last evaluated: 2023-01-01. Review status: criteria provided, single submitter. Criteria: CeGaT Center For Human Genetics Tuebingen Variant Classification Criteria Version 2. Collection method: clinical testing. Allele origin: germline. Affected: yes. Observed: 1 variant allele.
Comment: ENTPD1: BP4, BP7

NM_001776.6(ENTPD1):c.1065G>T (p.Gly355=)

Genes: ENTPD1 (ectonucleoside triphosphate diphosphohydrolase 1; plus strand), ENTPD1-AS1 (ENTPD1 antisense RNA 1; minus strand). Cytogenetic location: 10q24.1.
Variant type: single nucleotide variant.
Coding change: c.1065G>T on transcript NM_001776.6 (MANE Select); coding-DNA position 1065, G replaced by T.
Protein change: p.Gly355=; no amino-acid change (glycine 355 retained).
Molecular consequence: synonymous variant.
Genome position (GRCh38, 1-based): chr10:95,847,697, G>T. VCF-style: chr10-95847697-G-T. GRCh37 (hg19) VCF-style: chr10-97607454-G-T.
Other names: c.1086G>T, p.Gly362= (NM_001098175.2); c.1101G>T, p.Gly367= (NM_001164178.1, NM_001320916.1); c.942G>T, p.Gly314= (NM_001164179.2); c.741G>T, p.Gly247= (NM_001164181.1, NM_001312654.1); c.651G>T, p.Gly217= (NM_001164182.2, NM_001164183.2).
Identifiers: ClinVar variation 850551 (VCV000850551.31), dbSNP rs779604340, ClinGen allele CA5621522.